The following is an entry in ClinVar:

ClinVar aggregate classification (germline): Likely benign. Review status: criteria provided, multiple submitters, no conflicts (2 of 4 stars). 3 submissions from 3 submitters: Likely benign (3). Last evaluated 2025-12-08.

Conditions:
WNK1-related disorder. Also called: WNK1-related condition.
Neuropathy, hereditary sensory and autonomic, type 2A (HSAN2A). Also called: ACROOSTEOLYSIS, GIACCAI TYPE; ACROOSTEOLYSIS, NEUROGENIC; MORVAN DISEASE; NEUROPATHY, CONGENITAL SENSORY; NEUROPATHY, HEREDITARY SENSORY RADICULAR, AUTOSOMAL RECESSIVE; NEUROPATHY, HEREDITARY SENSORY, TYPE IIA. Identifiers: Orphanet 970, MedGen C2752089, MONDO:0024309, OMIM 201300.
Pseudohypoaldosteronism type 2C (PHA2C). Also called: Pseudohypoaldosteronism Type IIC. Identifiers: Orphanet 757, Orphanet 88940, MedGen C1840391, MONDO:0013778, OMIM 614492.

Allele frequency attached by ClinVar (database versions not stated): ExAC 0.00007; ESP Exome Variant Server 0.00008; gnomAD exomes 0.00010; gnomAD 0.00013 and 0.00014; TOPMed 0.00034.
gnomAD v4.1: 82 of 1,613,738 alleles (0.0051%); highest among the groups gnomAD compares: Admixed American, 0.09%; no homozygotes.

Submissions (3):

Labcorp Genetics (formerly Invitae), Labcorp
Classification: Likely benign for Neuropathy, hereditary sensory and autonomic, type 2A; Pseudohypoaldosteronism type 2C. Last evaluated: 2025-12-08. Review status: criteria provided, single submitter. Criteria: Invitae Variant Classification Sherloc (09022015). Collection method: clinical testing. Allele origin: germline.

PreventionGenetics, part of Exact Sciences
Classification: Likely benign for WNK1-related condition. Last evaluated: 2025-09-10. Review status: criteria provided, single submitter. Criteria: ACMG Guidelines, 2015. Collection method: clinical testing. Allele origin: germline.
Comment: This variant is classified as likely benign based on ACMG/AMP sequence variant interpretation guidelines (Richards et al. 2015 PMID: 25741868, with internal and published modifications).

Fulgent Genetics
Classification: Likely benign for Neuropathy, hereditary sensory and autonomic, type 2A; Pseudohypoaldosteronism type 2C. Last evaluated: 2021-09-20. Review status: criteria provided, single submitter. Criteria: ACMG Guidelines, 2015. Collection method: clinical testing. Allele origin: unknown.

NM_213655.5(WNK1):c.3108G>A (p.Ala1036=)

Gene: WNK1 (WNK lysine deficient protein kinase 1; plus strand). Cytogenetic location: 12p13.33.
Variant type: single nucleotide variant.
Coding change: c.3108G>A on transcript NM_213655.5 (MANE Plus Clinical); coding-DNA position 3108, G replaced by A.
Protein change: p.Ala1036=; no amino-acid change (alanine 1036 retained).
Molecular consequence: synonymous variant. On other transcripts: intron variant (2).
Genome position (GRCh38, 1-based): chr12:868,579, G>A. VCF-style: chr12-868579-G-A. GRCh37 (hg19) VCF-style: chr12-977745-G-A.
Other names: c.2853G>A, p.Ala951= (NM_001184985.2); c.2140-2686G>A (NM_018979.4, NM_014823.3); c.2853G>A (NM_001184985.1).
Identifiers: ClinVar variation 1124210 (VCV001124210.11), dbSNP rs373052154, ClinGen allele CA6382303.